The following is an entry in ClinVar:

NM_024598.4(USB1):c.700G>A (p.Val234Met)

Gene: USB1 (U6 snRNA biogenesis phosphodiesterase 1; plus strand). Cytogenetic location: 16q21.
Variant type: single nucleotide variant.
Coding change: c.700G>A on transcript NM_024598.4 (MANE Select); coding-DNA position 700, G replaced by A.
Protein change: p.Val234Met; replaces valine 234 with methionine.
Molecular consequence: missense variant.
Genome position (GRCh38, 1-based): chr16:58,020,147, G>A. VCF-style: chr16-58020147-G-A. GRCh37 (hg19) VCF-style: chr16-58054051-G-A.
Other names: c.700G>A (NM_024598.3); c.646G>A, p.Val216Met (NM_001195302.2); c.547G>A, p.Val183Met (NM_001330568.2); short protein forms V234M, V183M, V216M.
Identifiers: ClinVar variation 1449805 (VCV001449805.7), dbSNP rs762033139, ClinGen allele CA8085038.

ClinVar aggregate classification (germline): Uncertain significance. Review status: criteria provided, multiple submitters, no conflicts (2 of 4 stars). 3 submissions from 3 submitters: Uncertain significance (3). Last evaluated 2025-02-19.

Conditions:
Inborn genetic diseases. Identifiers: MedGen C0950123, MeSH D030342.

Allele frequency attached by ClinVar (database versions not stated): gnomAD 0.00002; ExAC 0.00003; gnomAD exomes 0.00003; TOPMed 0.00003.
gnomAD v4.1: 60 of 1,614,014 alleles (0.0037%); highest among the groups gnomAD compares: Non-Finnish European, 0.0045%; no homozygotes.

Submissions (3):

Ambry Genetics
Classification: Uncertain significance for Inborn genetic diseases. Last evaluated: 2025-02-19. Review status: criteria provided, single submitter. Criteria: Ambry Variant Classification Scheme 2023. Collection method: clinical testing. Allele origin: germline.

Labcorp Genetics (formerly Invitae), Labcorp
Classification: Uncertain significance. Last evaluated: 2022-09-27. Review status: criteria provided, single submitter. Criteria: Invitae Variant Classification Sherloc (09022015). Collection method: clinical testing. Allele origin: germline.
Comment: This sequence change replaces valine, which is neutral and non-polar, with methionine, which is neutral and non-polar, at codon 234 of the USB1 protein (p.Val234Met). This variant is present in population databases (rs762033139, gnomAD 0.006%). This variant has not been reported in the literature in individuals affected with USB1-related conditions. ClinVar contains an entry for this variant (Variation ID: 1449805). Advanced modeling of protein sequence and biophysical properties (such as structural, functional, and spatial information, amino acid conservation, physicochemical variation, residue mobility, and thermodynamic stability) performed at Invitae indicates that this missense variant is not expected to disrupt USB1 protein function. In summary, the available evidence is currently insufficient to determine the role of this variant in disease. Therefore, it has been classified as a Variant of Uncertain Significance.

Blueprint Genetics
Classification: Uncertain significance. Last evaluated: 2021-07-23. Review status: criteria provided, single submitter. Criteria: ACMG Guidelines, 2015. Collection method: clinical testing. Allele origin: germline.